The following is an entry in ClinVar:

NM_000077.5(CDKN2A):c.27G>T (p.Met9Ile)

Gene: CDKN2A (cyclin dependent kinase inhibitor 2A; minus strand). Cytogenetic location: 9p21.3.
Variant type: single nucleotide variant.
Coding change: c.27G>T on transcript NM_000077.5; coding-DNA position 27, G replaced by T.
Protein change: p.Met9Ile; replaces methionine 9 with isoleucine.
Molecular consequence: missense variant (on NM_000077.6). On other transcripts: intron variant (2).
Genome position (GRCh38, 1-based): chr9:21,974,801, C>A on the plus strand (G>T on the coding strand, the complement: CDKN2A is on the minus strand). VCF-style: chr9-21974801-C-A. GRCh37 (hg19) VCF-style: chr9-21974800-C-A.
Other names: c.27G>T, p.Met9Ile (NM_000077.6, NM_001195132.2, NM_058197.5); c.-3-3593G>T (NM_001363763.2); c.194-3593G>T (NM_058195.4); short protein forms M9I.
Identifiers: ClinVar variation 3230256 (VCV003230256.2), dbSNP rs1587340400, ClinGen allele CA373086692.

ClinVar aggregate classification (germline): Conflicting classifications of pathogenicity. Review status: criteria provided, conflicting classifications (1 of 4 stars). 2 submissions from 2 submitters: Uncertain significance (1); Likely benign (1). Last evaluated 2025-12-17.

Conditions:
Familial melanoma. Also called: Hereditary melanoma; Hereditary cutaneous melanoma. Identifiers: Orphanet 618, MedGen C1512419, MONDO:0018961.
Hereditary cancer-predisposing syndrome. Also called: Tumor predisposition; Hereditary Cancer Syndrome; Hereditary neoplastic syndrome; Neoplastic Syndromes, Hereditary. Identifiers: Orphanet 140162, MedGen C0027672, MeSH D009386, MONDO:0015356.

Submissions (2):

Labcorp Genetics (formerly Invitae), Labcorp
Classification: Uncertain significance for Familial melanoma. Last evaluated: 2025-12-17. Review status: criteria provided, single submitter. Criteria: Invitae Variant Classification Sherloc (09022015). Collection method: clinical testing. Allele origin: germline.
Comment: This sequence change replaces methionine, which is neutral and non-polar, with isoleucine, which is neutral and non-polar, at codon 9 of the CDKN2A (p16INK4a) protein (p.Met9Ile). This variant is not present in population databases (gnomAD no frequency). This variant has not been reported in the literature in individuals affected with CDKN2A (p16INK4a)-related conditions. ClinVar contains an entry for this variant (Variation ID: 3230256). An algorithm developed to predict the effect of missense changes on protein structure and function (PolyPhen-2) suggests that this variant is likely to be tolerated. In summary, the available evidence is currently insufficient to determine the role of this variant in disease. Therefore, it has been classified as a Variant of Uncertain Significance.

Ambry Genetics
Classification: Likely benign for Hereditary cancer-predisposing syndrome. Last evaluated: 2024-01-05. Review status: criteria provided, single submitter. Criteria: Ambry Variant Classification Scheme 2023. Collection method: clinical testing. Allele origin: germline.